The following is an entry in ClinVar:

ClinVar aggregate classification (germline): Uncertain significance (1 of 4 stars; one submission).

gnomAD v4.1: 1 of 1,576,672 alleles (0.000063%); highest among the groups gnomAD compares: African/African-American, 0.0013%; no homozygotes.

Submission:

GeneDx
Classification: Uncertain significance. Last evaluated: 2025-08-07. Review status: criteria provided, single submitter. Criteria: GeneDx Variant Classification Process June 2021. Collection method: clinical testing. Allele origin: germline. Affected: yes.
Comment: Not observed at significant frequency in large population cohorts (gnomAD); In silico analysis supports that this missense variant has a deleterious effect on protein structure/function; Has not been previously published as pathogenic or benign to our knowledge

NM_000441.2(SLC26A4):c.1636A>G (p.Lys546Glu)

Gene: SLC26A4 (solute carrier family 26 member 4; plus strand). Cytogenetic location: 7q22.3.
Variant type: single nucleotide variant.
Coding change: c.1636A>G on transcript NM_000441.2 (MANE Select); coding-DNA position 1636, A replaced by G.
Protein change: p.Lys546Glu; replaces lysine 546 with glutamic acid.
Molecular consequence: missense variant.
Genome position (GRCh38, 1-based): chr7:107,700,104, A>G. VCF-style: chr7-107700104-A-G. GRCh37 (hg19) VCF-style: chr7-107340549-A-G.
Other names: short protein forms K546E.
Identifiers: ClinVar variation 4756054 (VCV004756054.1).